The following is an entry in ClinVar:

ClinVar aggregate classification (germline): Uncertain significance (1 of 4 stars; one submission).

Submission:

Labcorp Genetics (formerly Invitae), Labcorp
Classification: Uncertain significance. Last evaluated: 2024-08-07. Review status: criteria provided, single submitter. Criteria: Invitae Variant Classification Sherloc (09022015). Collection method: clinical testing. Allele origin: germline.
Comment: This sequence change replaces glycine, which is neutral and non-polar, with serine, which is neutral and polar, at codon 395 of the KIF22 protein (p.Gly395Ser). This variant is not present in population databases (gnomAD no frequency). This variant has not been reported in the literature in individuals affected with KIF22-related conditions. Advanced modeling of protein sequence and biophysical properties (such as structural, functional, and spatial information, amino acid conservation, physicochemical variation, residue mobility, and thermodynamic stability) performed at Invitae indicates that this missense variant is not expected to disrupt KIF22 protein function with a negative predictive value of 80%. In summary, the available evidence is currently insufficient to determine the role of this variant in disease. Therefore, it has been classified as a Variant of Uncertain Significance.

NM_007317.3(KIF22):c.1183G>A (p.Gly395Ser)

Gene: KIF22 (kinesin family member 22; plus strand). Cytogenetic location: 16p11.2.
Variant type: single nucleotide variant.
Coding change: c.1183G>A on transcript NM_007317.3 (MANE Select); coding-DNA position 1183, G replaced by A.
Protein change: p.Gly395Ser; replaces glycine 395 with serine.
Molecular consequence: missense variant.
Genome position (GRCh38, 1-based): chr16:29,799,951, G>A. VCF-style: chr16-29799951-G-A. GRCh37 (hg19) VCF-style: chr16-29811272-G-A.
Other names: c.979G>A, p.Gly327Ser (NM_001256269.2, NM_001256270.1); short protein forms G395S, G327S.
Identifiers: ClinVar variation 3676393 (VCV003676393.2).